The following is an entry in ClinVar:

ClinVar aggregate classification (germline): Benign/Likely benign. Review status: criteria provided, multiple submitters, no conflicts (2 of 4 stars). 4 submissions from 4 submitters: Benign (1); Likely benign (2). 1 of the submissions does not count toward it. Last evaluated 2025-08-01.

Conditions:
PLIN1-related disorder. Also called: PLIN1-related condition.
Monogenic diabetes. Identifiers: Orphanet 183625, MedGen C3888631, MONDO:0015967.

Allele frequency attached by ClinVar (database versions not stated): 1000 Genomes Project 30x 0.00094; 1000 Genomes Project 0.00120; gnomAD exomes 0.00138 and 0.00237; ExAC 0.00142; gnomAD 0.00153; TOPMed 0.00153; ESP Exome Variant Server 0.00216.
gnomAD v4.1: 3,563 of 1,563,422 alleles (0.23%); highest among the groups gnomAD compares: Non-Finnish European, 0.28%; 7 homozygotes.

Submissions (4):

CeGaT Center for Human Genetics Tuebingen
Classification: Likely benign. Last evaluated: 2025-08-01. Review status: criteria provided, single submitter. Criteria: CeGaT Center For Human Genetics Tuebingen Variant Classification Criteria Version 2. Collection method: clinical testing. Allele origin: germline. Affected: yes. Observed: 2 variant alleles.
Comment: PLIN1: BP4, BS1

Blueprint Genetics
Classification: Likely benign. Last evaluated: 2024-11-20. Review status: criteria provided, single submitter. Criteria: ACMG Guidelines, 2015. Collection method: clinical testing. Allele origin: germline.

Personalized Diabetes Medicine Program, University of Maryland School of Medicine
Classification: Benign for Monogenic diabetes. Last evaluated: 2016-05-17. Review status: criteria provided, single submitter. Criteria: ACMG Guidelines, 2015. Collection method: research. Allele origin: unknown. Observed: 1 variant allele, 1 heterozygote.
Comment: ACMG Criteria: PP3, BS1 (ExAC), BS2 (ExAC), BP4

PreventionGenetics, part of Exact Sciences
Classification: Likely benign for PLIN1-related condition. Last evaluated: 2019-07-25. Review status: no assertion criteria provided. Collection method: clinical testing. Allele origin: germline. Not counted in ClinVar's aggregate classification.
Comment: This variant is classified as likely benign based on ACMG/AMP sequence variant interpretation guidelines (Richards et al. 2015 PMID: 25741868, with internal and published modifications).

NM_002666.5(PLIN1):c.245C>T (p.Thr82Ile)

Genes: PLIN1 (perilipin 1; minus strand), LOC125146351 (Sharpr-MPRA regulatory region 3473; plus strand). Cytogenetic location: 15q26.1.
Variant type: single nucleotide variant.
Coding change: c.245C>T on transcript NM_002666.5 (MANE Select); coding-DNA position 245, C replaced by T.
Protein change: p.Thr82Ile; replaces threonine 82 with isoleucine.
Molecular consequence: missense variant.
Genome position (GRCh38, 1-based): chr15:89,673,215, G>A on the plus strand (C>T on the coding strand, the complement: PLIN1 is on the minus strand). VCF-style: chr15-89673215-G-A. GRCh37 (hg19) VCF-style: chr15-90216446-G-A.
Other names: c.245C>T, p.Thr82Ile (NM_001145311.2); c.245C>T (NM_002666.4); short protein forms T82I.
Identifiers: ClinVar variation 393440 (VCV000393440.28), dbSNP rs150004289, ClinGen allele CA7729121.